The following is an entry in ClinVar:

NM_032043.3(BRIP1):c.62C>T (p.Ala21Val)

Gene: BRIP1 (BRCA1 interacting DNA helicase 1; minus strand). Cytogenetic location: 17q23.2.
Variant type: single nucleotide variant.
Coding change: c.62C>T on transcript NM_032043.3 (MANE Select); coding-DNA position 62, C replaced by T.
Protein change: p.Ala21Val; replaces alanine 21 with valine.
Molecular consequence: missense variant.
Genome position (GRCh38, 1-based): chr17:61,861,478, G>A on the plus strand (C>T on the coding strand, the complement: BRIP1 is on the minus strand). VCF-style: chr17-61861478-G-A. GRCh37 (hg19) VCF-style: chr17-59938839-G-A.
Other names: short protein forms A21V.
Identifiers: ClinVar variation 938038 (VCV000938038.14), dbSNP rs1603368436, ClinGen allele CA400485962.
Genomic context (GRCh38, chr17:61,861,478, plus strand): 5'-TAAAAACTTAACTGCTGAAAAATACTTACAGAATTCATCATAGCAAGCTGTGACGGGTAA[G>A]CTTTATAAGGAAAGTAAATCTTCACCCCACCAATTGTATATTCAGACCACATTGAAGACA-3'
Protein context (NP_114432.2, residues 11-31): GGVKIYFPYK[Ala21Val]YPSQLAMMNS

ClinVar aggregate classification (germline): Uncertain significance. Review status: criteria provided, multiple submitters, no conflicts (2 of 4 stars). 2 submissions from 2 submitters: Uncertain significance (2). Last evaluated 2024-06-26.

Conditions:
Familial cancer of breast. Also called: hereditary breast carcinoma; BREAST CANCER, FAMILIAL; Hereditary breast cancer. Identifiers: Orphanet 227535, MedGen C0346153, MONDO:0016419, OMIM 114480. Disease mechanism: loss of function.
Fanconi anemia complementation group J. Also called: BRIP1-Related Fanconi Anemia. Identifiers: Orphanet 84, MedGen C1836860, MONDO:0012187, OMIM 609054.
Hereditary cancer-predisposing syndrome. Also called: Tumor predisposition; Hereditary neoplastic syndrome; Neoplastic Syndromes, Hereditary; Hereditary Cancer Syndrome. Identifiers: Orphanet 140162, MedGen C0027672, MeSH D009386, MONDO:0015356.

Submissions (2):

Ambry Genetics
Classification: Uncertain significance for Hereditary cancer-predisposing syndrome. Last evaluated: 2024-06-26. Review status: criteria provided, single submitter. Criteria: Ambry Variant Classification Scheme 2023. Collection method: clinical testing. Allele origin: germline.
Comment: The p.A21V variant (also known as c.62C>T), located in coding exon 1 of the BRIP1 gene, results from a C to T substitution at nucleotide position 62. The alanine at codon 21 is replaced by valine, an amino acid with similar properties. In one study, this alteration was observed in 1/3236 cases with invasive epithelial ovarian cancer and 0/3431 controls (Ramus SJ et al. J Natl Cancer Inst, 2015 Nov;107). This amino acid position is highly conserved in available vertebrate species. In addition, the in silico prediction for this alteration is inconclusive. Based on the available evidence, the clinical significance of this variant remains unclear.

Labcorp Genetics (formerly Invitae), Labcorp
Classification: Uncertain significance for Familial cancer of breast; Fanconi anemia complementation group J. Last evaluated: 2023-12-07. Review status: criteria provided, single submitter. Criteria: Invitae Variant Classification Sherloc (09022015). Collection method: clinical testing. Allele origin: germline.
Comment: This sequence change replaces alanine, which is neutral and non-polar, with valine, which is neutral and non-polar, at codon 21 of the BRIP1 protein (p.Ala21Val). This variant is not present in population databases (gnomAD no frequency). This missense change has been observed in individual(s) with ovarian cancer (PMID: 26315354). ClinVar contains an entry for this variant (Variation ID: 938038). Advanced modeling of protein sequence and biophysical properties (such as structural, functional, and spatial information, amino acid conservation, physicochemical variation, residue mobility, and thermodynamic stability) performed at Invitae indicates that this missense variant is expected to disrupt BRIP1 protein function with a positive predictive value of 80%. In summary, the available evidence is currently insufficient to determine the role of this variant in disease. Therefore, it has been classified as a Variant of Uncertain Significance.

Literature cited by the submitters: PubMed 26315354 (cited by Ambry Genetics and Labcorp Genetics (formerly Invitae), Labcorp).